The following is an entry in ClinVar:

ClinVar aggregate classification (germline): Uncertain significance. Review status: criteria provided, multiple submitters, no conflicts (2 of 4 stars). 2 submissions from 2 submitters: Uncertain significance (2). Last evaluated 2022-09-04.

Conditions:
Congenital contractural arachnodactyly (CCA). Also called: Arthrogryposis, distal, type 9; BEALS SYNDROME; Beals-Hecht syndrome. Identifiers: Orphanet 115, MedGen C0220668, MONDO:0007363, OMIM 121050.

Allele frequency attached by ClinVar (database versions not stated): gnomAD 0.00001.
gnomAD v4.1: 2 of 1,614,008 alleles (0.00012%); highest among the groups gnomAD compares: South Asian, 0.0011%; no homozygotes.

Submissions (2):

Labcorp Genetics (formerly Invitae), Labcorp
Classification: Uncertain significance for Congenital contractural arachnodactyly. Last evaluated: 2022-09-04. Review status: criteria provided, single submitter. Criteria: Invitae Variant Classification Sherloc (09022015). Collection method: clinical testing. Allele origin: germline.
Comment: ClinVar contains an entry for this variant (Variation ID: 1303437). This sequence change replaces tyrosine, which is neutral and polar, with cysteine, which is neutral and slightly polar, at codon 1682 of the FBN2 protein (p.Tyr1682Cys). This variant is not present in population databases (gnomAD no frequency). This variant has not been reported in the literature in individuals affected with FBN2-related conditions. Algorithms developed to predict the effect of missense changes on protein structure and function are either unavailable or do not agree on the potential impact of this missense change (SIFT: "Deleterious"; PolyPhen-2: "Benign"; Align-GVGD: "Class C65"). In summary, the available evidence is currently insufficient to determine the role of this variant in disease. Therefore, it has been classified as a Variant of Uncertain Significance.

GeneDx
Classification: Uncertain significance. Last evaluated: 2019-12-07. Review status: criteria provided, single submitter. Criteria: GeneDx Variant Classification Process June 2021. Collection method: clinical testing. Allele origin: germline. Affected: yes.
Comment: Has not been previously published as pathogenic or benign to our knowledge; Not observed in large population cohorts (Lek et al., 2016); In silico analysis, which includes protein predictors and evolutionary conservation, supports a deleterious effect

NM_001999.4(FBN2):c.5045A>G (p.Tyr1682Cys)

Gene: FBN2 (fibrillin 2; minus strand). Cytogenetic location: 5q23.3.
Variant type: single nucleotide variant.
Coding change: c.5045A>G on transcript NM_001999.4 (MANE Select); coding-DNA position 5045, A replaced by G.
Protein change: p.Tyr1682Cys; replaces tyrosine 1682 with cysteine.
Molecular consequence: missense variant.
Genome position (GRCh38, 1-based): chr5:128,311,329, T>C on the plus strand (A>G on the coding strand, the complement: FBN2 is on the minus strand). VCF-style: chr5-128311329-T-C. GRCh37 (hg19) VCF-style: chr5-127647021-T-C.
Other names: short protein forms Y1682C.
Identifiers: ClinVar variation 1303437 (VCV001303437.6), dbSNP rs769474473, ClinGen allele CA360745969.